The following is an entry in ClinVar:

ClinVar aggregate classification (germline): Uncertain significance. Review status: criteria provided, multiple submitters, no conflicts (2 of 4 stars). 2 submissions from 2 submitters: Uncertain significance (2). Last evaluated 2024-05-01.

Conditions:
Hereditary cancer-predisposing syndrome. Also called: Hereditary Cancer Syndrome; Neoplastic Syndromes, Hereditary; Hereditary neoplastic syndrome; Tumor predisposition. Identifiers: Orphanet 140162, MedGen C0027672, MeSH D009386, MONDO:0015356.
Hereditary nonpolyposis colorectal neoplasms. Identifiers: MedGen C0009405, MeSH D003123.

Submissions (2):

Labcorp Genetics (formerly Invitae), Labcorp
Classification: Uncertain significance for Hereditary nonpolyposis colorectal neoplasms. Last evaluated: 2024-05-01. Review status: criteria provided, single submitter. Criteria: Invitae Variant Classification Sherloc (09022015). Collection method: clinical testing. Allele origin: germline.
Comment: This sequence change replaces threonine, which is neutral and polar, with serine, which is neutral and polar, at codon 895 of the MSH6 protein (p.Thr895Ser). This variant is not present in population databases (gnomAD no frequency). This variant has not been reported in the literature in individuals affected with MSH6-related conditions. ClinVar contains an entry for this variant (Variation ID: 428440). Advanced modeling of protein sequence and biophysical properties (such as structural, functional, and spatial information, amino acid conservation, physicochemical variation, residue mobility, and thermodynamic stability) performed at Invitae indicates that this missense variant is not expected to disrupt MSH6 protein function with a negative predictive value of 95%. In summary, the available evidence is currently insufficient to determine the role of this variant in disease. Therefore, it has been classified as a Variant of Uncertain Significance.

Ambry Genetics
Classification: Uncertain significance for Hereditary cancer-predisposing syndrome. Last evaluated: 2016-09-04. Review status: criteria provided, single submitter. Criteria: Ambry Variant Classification Scheme 2023. Collection method: clinical testing. Allele origin: germline.
Comment: The p.T895S variant (also known as c.2683A>T), located in coding exon 4 of the MSH6 gene, results from an A to T substitution at nucleotide position 2683. The threonine at codon 895 is replaced by serine, an amino acid with similar properties. This variant was not reported in population based cohorts in the following databases: Database of Single Nucleotide Polymorphisms (dbSNP), NHLBI Exome Sequencing Project (ESP), and 1000 Genomes Project. In the ESP, this variant was not observed in 6503 samples (13006 alleles) with coverage at this position.To date, this alteration has been detected with an allele frequency of approximately 0.001%(greater than 150000 alleles tested) in our clinical cohort. This amino acid position is not well conserved in available vertebrate species. In addition, this alteration is predicted to be tolerated by in silico analysis. Since supporting evidence is limited at this time, the clinical significance of this alteration remains unclear.

NM_000179.3(MSH6):c.2683A>T (p.Thr895Ser)

Gene: MSH6 (mutS homolog 6; plus strand). Cytogenetic location: 2p16.3.
Variant type: single nucleotide variant.
Coding change: c.2683A>T on transcript NM_000179.3 (MANE Select); coding-DNA position 2683, A replaced by T.
Protein change: p.Thr895Ser; replaces threonine 895 with serine.
Molecular consequence: missense variant.
Genome position (GRCh38, 1-based): chr2:47,800,666, A>T. VCF-style: chr2-47800666-A-T. GRCh37 (hg19) VCF-style: chr2-48027805-A-T.
Other names: c.2293A>T, p.Thr765Ser (NM_001281492.2); c.1777A>T, p.Thr593Ser (NM_001281493.2, NM_001281494.2); short protein forms T895S, T593S, T765S.
Identifiers: ClinVar variation 428440 (VCV000428440.7), dbSNP rs1114167799, ClinGen allele CA346755286.
Genomic context (GRCh38, chr2:47,800,666, plus strand): 5'-ATGGAAGAAGTTGCTGATGGTTTTAAGTCTAAAATCCTTAAGCAGGTCATCTCTCTGCAG[A>T]CAAAAAATCCTGAAGGTCGTTTTCCTGATTTGACTGTAGAATTGAACCGATGGGATACAG-3'
Protein context (NP_000170.1, residues 885-905): KILKQVISLQ[Thr895Ser]KNPEGRFPDL